The following is an entry in ClinVar:

NM_212550.5(BLOC1S3):c.322C>G (p.Leu108Val)

Gene: BLOC1S3 (biogenesis of lysosomal organelles complex 1 subunit 3; plus strand). Cytogenetic location: 19q13.32.
Variant type: single nucleotide variant.
Coding change: c.322C>G on transcript NM_212550.5 (MANE Select); coding-DNA position 322, C replaced by G.
Protein change: p.Leu108Val; replaces leucine 108 with valine.
Molecular consequence: missense variant.
Genome position (GRCh38, 1-based): chr19:45,179,618, C>G. VCF-style: chr19-45179618-C-G. GRCh37 (hg19) VCF-style: chr19-45682876-C-G.
Other names: short protein forms L108V.
Identifiers: ClinVar variation 179946 (VCV000179946.29), dbSNP rs75792246, ClinGen allele CA185485.

ClinVar aggregate classification (germline): Benign/Likely benign. Review status: criteria provided, multiple submitters, no conflicts (2 of 4 stars). 9 submissions from 9 submitters: Benign (3); Likely benign (6). Last evaluated 2026-02-04.

Allele frequency attached by ClinVar (database versions not stated): 1000 Genomes Project 0.00739; 1000 Genomes Project 30x 0.01156; ExAC 0.01164; gnomAD exomes 0.02554; TOPMed 0.02588; gnomAD 0.02889 and 0.02993.
gnomAD v4.1: 60,022 of 1,475,054 alleles (4.1%); highest among the groups gnomAD compares: Non-Finnish European, 4.8%; 1,432 homozygotes.

Submissions (9):

Labcorp Genetics (formerly Invitae), Labcorp
Classification: Benign. Last evaluated: 2026-02-04. Review status: criteria provided, single submitter. Criteria: Invitae Variant Classification Sherloc (09022015). Collection method: clinical testing. Allele origin: germline.

Blueprint Genetics
Classification: Likely benign. Last evaluated: 2024-11-27. Review status: criteria provided, single submitter. Criteria: ACMG Guidelines, 2015. Collection method: clinical testing. Allele origin: germline.

Mayo Clinic Laboratories, Mayo Clinic
Classification: Likely benign. Last evaluated: 2023-08-22. Review status: criteria provided, single submitter. Criteria: ACMG Guidelines, 2015. Collection method: clinical testing. Allele origin: germline. Observed: 31 variant alleles.
Comment: BS1, BS2, BP4, PM1_supporting

GeneDx
Classification: Likely benign. Last evaluated: 2023-05-09. Review status: criteria provided, single submitter. Criteria: GeneDx Variant Classification Process June 2021. Collection method: clinical testing. Allele origin: germline. Affected: yes.
Comment: See Variant Classification Assertion Criteria.

Eurofins Ntd Llc (ga)
Classification: Benign. Last evaluated: 2016-09-20. Review status: criteria provided, single submitter. Criteria: EGL Classification Definitions 2015. Collection method: clinical testing. Allele origin: germline. Observed: 1 variant allele, 1 heterozygote.

Laboratory for Molecular Medicine, Mass General Brigham Personalized Medicine
Classification: Likely benign. Last evaluated: 2015-12-16. Review status: criteria provided, single submitter. Criteria: LMM Criteria. Collection method: clinical testing. Allele origin: germline. Observed: 5 variant alleles.
Comment: p.Leu108Val in exon 2 of BLOC1S3: This variant is not expected to have clinical significance because it has been identified in 1.63% (35/2144) of European chrom osomes by the Exome Aggregation Consortium (ExAC ; dbSNPrs75792246).

Genetic Services Laboratory, University of Chicago
Classification: Benign. Last evaluated: 2015-10-21. Review status: criteria provided, single submitter. Criteria: ACMG Guidelines, 2015. Collection method: clinical testing. Allele origin: germline. Affected: no.

Breakthrough Genomics
Classification: Likely benign. Review status: criteria provided, single submitter. Criteria: ACMG Guidelines, 2015. Collection method: not provided. Allele origin: germline. Inheritance: Autosomal recessive inheritance. Affected: yes.

PreventionGenetics, part of Exact Sciences
Classification: Likely benign. Review status: criteria provided, single submitter. Criteria: ACMG Guidelines, 2015. Collection method: clinical testing. Allele origin: germline.